The following is an entry in ClinVar:

NM_002907.4(RECQL):c.1375G>A (p.Ala459Thr)

Gene: RECQL (RecQ like helicase; minus strand). Cytogenetic location: 12p12.1.
Variant type: single nucleotide variant.
Coding change: c.1375G>A on transcript NM_002907.4 (MANE Select); coding-DNA position 1375, G replaced by A.
Protein change: p.Ala459Thr; replaces alanine 459 with threonine.
Molecular consequence: missense variant.
Genome position (GRCh38, 1-based): chr12:21,473,623, C>T on the plus strand (G>A on the coding strand, the complement: RECQL is on the minus strand). VCF-style: chr12-21473623-C-T. GRCh37 (hg19) VCF-style: chr12-21626557-C-T.
Other names: c.1375G>A, p.Ala459Thr (NM_032941.3); short protein forms A459T.
Identifiers: ClinVar variation 1771142 (VCV001771142.3), dbSNP rs1055710310, ClinGen allele CA384117677.
Genomic context (GRCh38, chr12:21,473,623, plus strand): 5'-AGCAGTTATCGCACATTTTGTTACATGCTTCTGAGTTCCATACTTCATCAAAATGTTGAG[C>T]CATCAACACACGACGACATCTGCAAACACATTTAAAGATACAAATTATTAAAGGATATAA-3'
Protein context (NP_002898.2, residues 449-469): NISKCRRVLM[Ala459Thr]QHFDEVWNSE

ClinVar aggregate classification (germline): Uncertain significance (1 of 4 stars; one submission).

Allele frequency attached by ClinVar (database versions not stated): gnomAD 0.00001.

Submission:

Ambry Genetics
Classification: Uncertain significance. Last evaluated: 2025-01-09. Review status: criteria provided, single submitter. Criteria: Ambry Variant Classification Scheme 2023. Collection method: clinical testing. Allele origin: germline.
Comment: The p.A459T variant (also known as c.1375G>A), located in coding exon 11 of the RECQL gene, results from a G to A substitution at nucleotide position 1375. The alanine at codon 459 is replaced by threonine, an amino acid with similar properties. This amino acid position is conserved. In addition, the in silico prediction for this alteration is inconclusive. Since supporting evidence is limited at this time, the clinical significance of this alteration remains unclear.